The following is an entry in ClinVar:

NM_152305.3(POGLUT1):c.775C>T (p.Leu259Phe)

Gene: POGLUT1 (protein O-glucosyltransferase 1; plus strand). Cytogenetic location: 3q13.33.
Variant type: single nucleotide variant.
Coding change: c.775C>T on transcript NM_152305.3 (MANE Select); coding-DNA position 775, C replaced by T.
Protein change: p.Leu259Phe; replaces leucine 259 with phenylalanine.
Molecular consequence: missense variant. On other transcripts: non-coding transcript variant (1).
Genome position (GRCh38, 1-based): chr3:119,488,965, C>T. VCF-style: chr3-119488965-C-T. GRCh37 (hg19) VCF-style: chr3-119207812-C-T.
Other names: short protein forms L259F.
Identifiers: ClinVar variation 4708015 (VCV004708015.1).

ClinVar aggregate classification (germline): Uncertain significance (1 of 4 stars; one submission).

gnomAD v4.1: 32 of 1,590,938 alleles (0.002%); highest among the groups gnomAD compares: Non-Finnish European, 0.0027%; no homozygotes.

Submission:

Labcorp Genetics (formerly Invitae), Labcorp
Classification: Uncertain significance. Last evaluated: 2025-12-20. Review status: criteria provided, single submitter. Criteria: Invitae Variant Classification Sherloc (09022015). Collection method: clinical testing. Allele origin: germline.
Comment: This sequence change replaces leucine, which is neutral and non-polar, with phenylalanine, which is neutral and non-polar, at codon 259 of the POGLUT1 protein (p.Leu259Phe). This variant is present in population databases (rs769131679, gnomAD 0.0009%). This variant has not been reported in the literature in individuals affected with POGLUT1-related conditions. Invitae Evidence Modeling of protein sequence and biophysical properties (such as structural, functional, and spatial information, amino acid conservation, physicochemical variation, residue mobility, and thermodynamic stability) indicates that this missense variant is not expected to disrupt POGLUT1 protein function with a negative predictive value of 80%. In summary, the available evidence is currently insufficient to determine the role of this variant in disease. Therefore, it has been classified as a Variant of Uncertain Significance.